The following is an entry in ClinVar:

ClinVar aggregate classification (germline): Conflicting classifications of pathogenicity. Review status: criteria provided, conflicting classifications (1 of 4 stars). 6 submissions from 6 submitters: Uncertain significance (1); Likely benign (4). 1 of the submissions does not count toward it. Last evaluated 2025-11-22.

Conditions:
Cardiovascular phenotype. Identifiers: MedGen CN230736.
DES-related disorder. Also called: DES-related condition.
Desmin-related myofibrillar myopathy (MFM1). Also called: MYOFIBRILLAR MYOPATHY WITH ARRHYTHMOGENIC RIGHT VENTRICULAR CARDIOMYOPATHY; DESMIN-RELATED MYOPATHY WITH ARRHYTHMOGENIC RIGHT VENTRICULAR CARDIOMYOPATHY; Myofibrillar myopathy 1; Desminopathy; Desmin related myopathy (former name); Desmin storage myopathy (former name). Identifiers: Orphanet 363543, Orphanet 98909, MedGen C1832370, MONDO:0011076, OMIM 601419.

Allele frequency attached by ClinVar (database versions not stated): gnomAD exomes 0.00001 and 0.00005; ExAC 0.00005; gnomAD 0.00010 and 0.00013; TOPMed 0.00012; ESP Exome Variant Server 0.00023.
gnomAD v4.1: 26 of 1,613,766 alleles (0.0016%); highest among the groups gnomAD compares: African/African-American, 0.033%; no homozygotes.

Submissions (6):

Labcorp Genetics (formerly Invitae), Labcorp
Classification: Likely benign for Desmin-related myofibrillar myopathy. Last evaluated: 2025-11-22. Review status: criteria provided, single submitter. Criteria: Invitae Variant Classification Sherloc (09022015). Collection method: clinical testing. Allele origin: germline.

GeneDx
Classification: Likely benign. Last evaluated: 2019-05-06. Review status: criteria provided, single submitter. Criteria: GeneDx Variant Classification Process June 2021. Collection method: clinical testing. Allele origin: germline. Affected: yes.

Ambry Genetics
Classification: Likely benign for Cardiovascular phenotype. Last evaluated: 2018-05-09. Review status: criteria provided, single submitter. Criteria: Ambry Variant Classification Scheme 2023. Collection method: clinical testing. Allele origin: germline.

Eurofins Ntd Llc (ga)
Classification: Uncertain significance. Last evaluated: 2016-12-27. Review status: criteria provided, single submitter. Criteria: EGL Classification Definitions 2015. Collection method: clinical testing. Allele origin: germline. Observed: 1 variant allele, 1 heterozygote.

Athena Diagnostics
Classification: Likely benign. Last evaluated: 2016-08-17. Review status: criteria provided, single submitter. Criteria: Athena Diagnostics Criteria. Collection method: clinical testing. Allele origin: germline.

PreventionGenetics, part of Exact Sciences
Classification: Likely benign for DES-related condition. Last evaluated: 2023-12-19. Review status: no assertion criteria provided. Collection method: clinical testing. Allele origin: germline. Not counted in ClinVar's aggregate classification.
Comment: This variant is classified as likely benign based on ACMG/AMP sequence variant interpretation guidelines (Richards et al. 2015 PMID: 25741868, with internal and published modifications).

NM_001927.4(DES):c.1257C>T (p.Pro419=)

Gene: DES (desmin; plus strand). Cytogenetic location: 2q35.
Variant type: single nucleotide variant.
Coding change: c.1257C>T on transcript NM_001927.4 (MANE Select); coding-DNA position 1257, C replaced by T.
Protein change: p.Pro419=; no amino-acid change (proline 419 retained).
Molecular consequence: synonymous variant.
Genome position (GRCh38, 1-based): chr2:219,423,789, C>T. VCF-style: chr2-219423789-C-T. GRCh37 (hg19) VCF-style: chr2-220288511-C-T.
Other names: c.1257C>T (LRG_380t1).
Identifiers: ClinVar variation 384758 (VCV000384758.20), dbSNP rs143154982, ClinGen allele CA2125278.
Genomic context (GRCh38, chr2:219,423,789, plus strand): 5'-GATGGGAGGGTTCTTAACTCTTAGGAGGTTTTGTCTCTTCCCTTTTAGGATCAATCTCCC[C>T]ATCCAGACCTACTCTGCCCTCAACTTCCGAGGTGAGTGTCTGCTGGCAGGCGGAGGCTGG-3'
Protein context (NP_001918.3, residues 409-429): LEGEESRINL[Pro419=]IQTYSALNFR